The following is an entry in ClinVar:

ClinVar aggregate classification (germline): Uncertain significance (1 of 4 stars; one submission).

Conditions:
Inborn genetic diseases. Identifiers: MedGen C0950123, MeSH D030342.

Submission:

Ambry Genetics
Classification: Uncertain significance for Inborn genetic diseases. Last evaluated: 2026-07-06. Review status: criteria provided, single submitter. Criteria: Ambry Variant Classification Scheme 2023. Collection method: clinical testing. Allele origin: germline.
Comment: The p.F77L variant (also known as c.231C>A), located in coding exon 1 of the CEBPA gene, results from a C to A substitution at nucleotide position 231. The phenylalanine at codon 77 is replaced by leucine, an amino acid with highly similar properties. This amino acid position is conserved. In addition, this alteration is predicted to be tolerated by in silico analysis. Based on the available evidence, the clinical significance of this variant remains unclear.

NM_004364.5(CEBPA):c.231C>A (p.Phe77Leu)

Gene: CEBPA (CCAAT enhancer binding protein alpha; minus strand). Cytogenetic location: 19q13.11.
Variant type: single nucleotide variant.
Coding change: c.231C>A on transcript NM_004364.5 (MANE Select); coding-DNA position 231, C replaced by A.
Protein change: p.Phe77Leu; replaces phenylalanine 77 with leucine.
Molecular consequence: missense variant. On other transcripts: 5 prime UTR variant (1).
Genome position (GRCh38, 1-based): chr19:33,302,184, G>T on the plus strand (C>A on the coding strand, the complement: CEBPA is on the minus strand). VCF-style: chr19-33302184-G-T. GRCh37 (hg19) VCF-style: chr19-33793090-G-T.
Other names: c.-127C>A (NM_001285829.2); c.336C>A, p.Phe112Leu (NM_001287424.2); c.189C>A, p.Phe63Leu (NM_001287435.2); short protein forms F112L, F63L, F77L.
Identifiers: ClinVar variation 5034287 (VCV005034287.1).